The following is an entry in ClinVar:

NM_001322934.2(NFKB2):c.2652del (p.Glu885fs)

Gene: NFKB2 (nuclear factor kappa B subunit 2; plus strand). Cytogenetic location: 10q24.32.
Variant type: Deletion.
Coding change: c.2652del on transcript NM_001322934.2 (MANE Select); coding-DNA position 2652, one base deleted (T; older notation c.2652delT).
Protein change: p.Glu885fs; shifts the reading frame from glutamic acid 885.
Molecular consequence: frameshift variant.
Genome position (GRCh38, 1-based): chr10:102,402,325, T deleted. VCF-style (leftmost placement, unchanged base first): chr10-102402324-CT-C. GRCh37 (hg19) VCF-style: chr10-104162081-CT-C.
Other names: c.2652del, p.Glu885fs (NM_001077494.3); c.2649del, p.Glu884fs (NM_001261403.3, NM_001288724.1, NM_002502.6); c.2526del, p.Glu843fs (NM_001322935.1); short protein forms E884fs, E885fs, E843fs.
Identifiers: ClinVar variation 3687003 (VCV003687003.2).

ClinVar aggregate classification (germline): Uncertain significance (1 of 4 stars; one submission).

Conditions:
Immunodeficiency, common variable, 10. Also called: DEFICIT IN ANTERIOR PITUITARY FUNCTION AND VARIABLE IMMUNODEFICIENCY; IMMUNODEFICIENCY, COMMON VARIABLE, WITH CENTRAL ADRENAL INSUFFICIENCY. Identifiers: MedGen C3809991, MONDO:0014260, OMIM 615577.

Submission:

Labcorp Genetics (formerly Invitae), Labcorp
Classification: Uncertain significance for Immunodeficiency, common variable, 10. Last evaluated: 2024-10-09. Review status: criteria provided, single submitter. Criteria: Invitae Variant Classification Sherloc (09022015). Collection method: clinical testing. Allele origin: germline.
Comment: This sequence change results in a frameshift in the NFKB2 gene (p.Glu885Serfs*52). While this is not anticipated to result in nonsense mediated decay, it is expected to disrupt the last 16 amino acid(s) of the NFKB2 protein and extend the protein by 35 additional amino acid residues. This variant is present in population databases (no rsID available, gnomAD 0.005%). This variant has not been reported in the literature in individuals affected with NFKB2-related conditions. Algorithms developed to predict the effect of sequence changes on RNA splicing suggest that this variant may create or strengthen a splice site. In summary, the available evidence is currently insufficient to determine the role of this variant in disease. Therefore, it has been classified as a Variant of Uncertain Significance.